The following is an entry in ClinVar:

ClinVar aggregate classification (germline): Uncertain significance. Review status: criteria provided, multiple submitters, no conflicts (2 of 4 stars). 2 submissions from 2 submitters: Uncertain significance (2). Last evaluated 2022-10-04.

Conditions:
Congenital disorder of deglycosylation (CDDG). Identifiers: MedGen C3808991, MONDO:0031376.

Allele frequency attached by ClinVar (database versions not stated): gnomAD 0.00005; ExAC 0.00007; TOPMed 0.00008; gnomAD exomes 0.00011.
gnomAD v4.1: 107 of 1,604,012 alleles (0.0067%); highest among the groups gnomAD compares: Non-Finnish European, 0.0018%; no homozygotes.

Submissions (2):

Labcorp Genetics (formerly Invitae), Labcorp
Classification: Uncertain significance for Congenital disorder of deglycosylation. Last evaluated: 2022-10-04. Review status: criteria provided, single submitter. Criteria: Invitae Variant Classification Sherloc (09022015). Collection method: clinical testing. Allele origin: germline.
Comment: This sequence change falls in intron 2 of the NGLY1 gene. It does not directly change the encoded amino acid sequence of the NGLY1 protein. It affects a nucleotide within the consensus splice site. This variant is present in population databases (rs201806398, gnomAD 0.2%). This variant has not been reported in the literature in individuals affected with NGLY1-related conditions. ClinVar contains an entry for this variant (Variation ID: 1045770). Variants that disrupt the consensus splice site are a relatively common cause of aberrant splicing (PMID: 17576681, 9536098). Algorithms developed to predict the effect of sequence changes on RNA splicing suggest that this variant is not likely to affect RNA splicing. In summary, the available evidence is currently insufficient to determine the role of this variant in disease. Therefore, it has been classified as a Variant of Uncertain Significance.

GeneDx
Classification: Uncertain significance. Last evaluated: 2021-09-24. Review status: criteria provided, single submitter. Criteria: GeneDx Variant Classification Process June 2021. Collection method: clinical testing. Allele origin: germline. Affected: yes.
Comment: In silico analysis supports a deleterious effect on splicing; Has not been previously published as pathogenic or benign to our knowledge; This variant is associated with the following publications: (PMID: 17576681, 9536098)

Literature cited by the submitters: PubMed 17576681 (cited by Labcorp Genetics (formerly Invitae), Labcorp); PubMed 9536098 (cited by Labcorp Genetics (formerly Invitae), Labcorp).

NM_018297.4(NGLY1):c.247-3C>A

Gene: NGLY1 (N-glycanase 1; minus strand). Cytogenetic location: 3p24.2.
Variant type: single nucleotide variant.
Coding change: c.247-3C>A on transcript NM_018297.4 (MANE Select); 3 bases into the intron before coding-DNA position 247, C replaced by A.
Molecular consequence: intron variant.
Genome position (GRCh38, 1-based): chr3:25,764,314, G>T on the plus strand (C>A on the coding strand, the complement: NGLY1 is on the minus strand). VCF-style: chr3-25764314-G-T. GRCh37 (hg19) VCF-style: chr3-25805805-G-T.
Other names: c.121-3C>A (NM_001145294.2); c.247-3C>A (NM_001145295.2, NM_001145293.2).
Identifiers: ClinVar variation 1045770 (VCV001045770.4), dbSNP rs201806398, ClinGen allele CA2289528.